The following is an entry in ClinVar:

ClinVar aggregate classification (germline): Benign/Likely benign. Review status: criteria provided, multiple submitters, no conflicts (2 of 4 stars). 5 submissions from 5 submitters: Benign (1); Likely benign (3). 1 of the submissions does not count toward it. Last evaluated 2026-01-06.

Conditions:
MGME1-related disorder. Also called: MGME1-related condition.

Allele frequency attached by ClinVar (database versions not stated): gnomAD 0.00014 and 0.00028; 1000 Genomes Project 30x 0.00016; TOPMed 0.00019; 1000 Genomes Project 0.00020; ESP Exome Variant Server 0.00046; gnomAD exomes 0.00061 and 0.00099; ExAC 0.00105.
gnomAD v4.1: 934 of 1,614,084 alleles (0.058%); highest among the groups gnomAD compares: South Asian, 0.63%; 14 homozygotes.

Submissions (5):

Labcorp Genetics (formerly Invitae), Labcorp
Classification: Benign. Last evaluated: 2026-01-06. Review status: criteria provided, single submitter. Criteria: Invitae Variant Classification Sherloc (09022015). Collection method: clinical testing. Allele origin: germline.

CeGaT Center for Human Genetics Tuebingen
Classification: Likely benign. Last evaluated: 2022-11-01. Review status: criteria provided, single submitter. Criteria: CeGaT Center For Human Genetics Tuebingen Variant Classification Criteria Version 2. Collection method: clinical testing. Allele origin: germline. Affected: yes. Observed: 1 variant allele.
Comment: MGME1: BP4, BS2

GeneDx
Classification: Likely benign. Last evaluated: 2020-04-07. Review status: criteria provided, single submitter. Criteria: GeneDx Variant Classification Process June 2021. Collection method: clinical testing. Allele origin: germline. Affected: yes.

Breakthrough Genomics
Classification: Likely benign. Review status: criteria provided, single submitter. Criteria: ACMG Guidelines, 2015. Collection method: not provided. Allele origin: germline. Inheritance: Autosomal recessive inheritance. Affected: yes.

PreventionGenetics, part of Exact Sciences
Classification: Likely benign for MGME1-related condition. Last evaluated: 2020-08-28. Review status: no assertion criteria provided. Collection method: clinical testing. Allele origin: germline. Not counted in ClinVar's aggregate classification.
Comment: This variant is classified as likely benign based on ACMG/AMP sequence variant interpretation guidelines (Richards et al. 2015 PMID: 25741868, with internal and published modifications).

NM_052865.4(MGME1):c.803A>T (p.Asn268Ile)

Gene: MGME1 (mitochondrial genome maintenance exonuclease 1; plus strand). Cytogenetic location: 20p11.23.
Variant type: single nucleotide variant.
Coding change: c.803A>T on transcript NM_052865.4 (MANE Select); coding-DNA position 803, A replaced by T.
Protein change: p.Asn268Ile; replaces asparagine 268 with isoleucine.
Molecular consequence: missense variant. On other transcripts: intron variant (1).
Genome position (GRCh38, 1-based): chr20:17,988,237, A>T. VCF-style: chr20-17988237-A-T. GRCh37 (hg19) VCF-style: chr20-17968880-A-T.
Other names: c.803A>T (NM_052865.3); c.848A>T, p.Asn283Ile (NM_001310338.2); c.563A>T, p.Asn188Ile (NM_001363738.2); c.512-1702A>T (NM_001310339.2); short protein forms N188I, N268I, N283I.
Identifiers: ClinVar variation 1208499 (VCV001208499.37), dbSNP rs142454195, ClinGen allele CA9775038.